The following is an entry in ClinVar:

NM_002439.5(MSH3):c.1084G>C (p.Asp362His)

Gene: MSH3 (mutS homolog 3; plus strand). Cytogenetic location: 5q14.1.
Variant type: single nucleotide variant.
Coding change: c.1084G>C on transcript NM_002439.5 (MANE Select); coding-DNA position 1084, G replaced by C.
Protein change: p.Asp362His; replaces aspartic acid 362 with histidine.
Molecular consequence: missense variant.
Genome position (GRCh38, 1-based): chr5:80,675,039, G>C. VCF-style: chr5-80675039-G-C. GRCh37 (hg19) VCF-style: chr5-79970858-G-C.
Other names: short protein forms D362H.
Identifiers: ClinVar variation 1367940 (VCV001367940.8), dbSNP rs2112815983, ClinGen allele CA360268031.

ClinVar aggregate classification (germline): Uncertain significance (1 of 4 stars; one submission).

Submission:

Labcorp Genetics (formerly Invitae), Labcorp
Classification: Uncertain significance. Last evaluated: 2021-12-17. Review status: criteria provided, single submitter. Criteria: Invitae Variant Classification Sherloc (09022015). Collection method: clinical testing. Allele origin: germline.
Comment: In summary, the available evidence is currently insufficient to determine the role of this variant in disease. Therefore, it has been classified as a Variant of Uncertain Significance. Algorithms developed to predict the effect of missense changes on protein structure and function are either unavailable or do not agree on the potential impact of this missense change (SIFT: "Deleterious"; PolyPhen-2: "Benign"; Align-GVGD: "Class C65"). This variant has not been reported in the literature in individuals affected with MSH3-related conditions. This variant is not present in population databases (gnomAD no frequency). This sequence change replaces aspartic acid, which is acidic and polar, with histidine, which is basic and polar, at codon 362 of the MSH3 protein (p.Asp362His).